The following is an entry in ClinVar:

ClinVar aggregate classification (germline): Conflicting classifications of pathogenicity. Review status: criteria provided, conflicting classifications (1 of 4 stars). 5 submissions from 4 submitters: Pathogenic (2); Likely pathogenic (1); Uncertain significance (2). Last evaluated 2025-06-25.

Conditions:
Branchiootic syndrome 1 (BOS1). Also called: BO SYNDROME 1; BRANCHIOOTIC DYSPLASIA. Identifiers: MedGen C1865143, MONDO:0011258, OMIM 602588.
Branchiootic syndrome 3 (BOS3). Also called: BO SYNDROME 3. Identifiers: MedGen C1842124, MONDO:0012025, OMIM 608389.
Autosomal dominant nonsyndromic hearing loss 23. Identifiers: Orphanet 90635, MedGen C1854594, MONDO:0011519, OMIM 605192.

Submissions (5):

GeneDx
Classification: Likely pathogenic. Last evaluated: 2025-06-25. Review status: criteria provided, single submitter. Criteria: GeneDx Variant Classification Process June 2021. Collection method: clinical testing. Allele origin: germline. Affected: yes.
Comment: Reported in a patient with features consistent with branchiootorenal spectrum disorder in the published literature (PMID: 34440452); Not observed at significant frequency in large population cohorts (gnomAD); In silico analysis supports that this missense variant has a deleterious effect on protein structure/function; This variant is associated with the following publications: (PMID: 39125727, 34440452)

Labcorp Genetics (formerly Invitae), Labcorp
Classification: Uncertain significance for Autosomal dominant nonsyndromic hearing loss 23; Branchiootic syndrome 3. Last evaluated: 2024-10-30. Review status: criteria provided, single submitter. Criteria: Invitae Variant Classification Sherloc (09022015). Collection method: clinical testing. Allele origin: germline.
Comment: This sequence change replaces tyrosine, which is neutral and polar, with serine, which is neutral and polar, at codon 129 of the SIX1 protein (p.Tyr129Ser). This variant is not present in population databases (gnomAD no frequency). This missense change has been observed in individual(s) with deafness (PMID: 34440452). ClinVar contains an entry for this variant (Variation ID: 666609). Invitae Evidence Modeling of protein sequence and biophysical properties (such as structural, functional, and spatial information, amino acid conservation, physicochemical variation, residue mobility, and thermodynamic stability) indicates that this missense variant is expected to disrupt SIX1 protein function with a positive predictive value of 80%. This variant disrupts the p.Tyr129 amino acid residue in SIX1. Other variant(s) that disrupt this residue have been determined to be pathogenic (PMID: 12843324, 15141091, 16652090, 21254961, 21280147). This suggests that this residue is clinically significant, and that variants that disrupt this residue are likely to be disease-causing. In summary, the available evidence is currently insufficient to determine the role of this variant in disease. Therefore, it has been classified as a Variant of Uncertain Significance.

Center of Genomic medicine, Geneva, University Hospital of Geneva
Classification: Pathogenic for Branchiootic syndrome. Last evaluated: 2018-06-01. Review status: criteria provided, single submitter. Criteria: ACMG Guidelines, 2015. Collection method: clinical testing. Allele origin: de novo. Affected: yes. Observed: 1 variant allele.

Center of Genomic medicine, Geneva, University Hospital of Geneva
Classification: Pathogenic for Branchiootic syndrome 3; Autosomal dominant nonsyndromic hearing loss 23. Last evaluated: 2018-06-01. Review status: criteria provided, single submitter. Criteria: ACMG Guidelines, 2015. Collection method: clinical testing. Allele origin: de novo. Affected: yes. Observed: 1 variant allele.

Laboratory for Molecular Medicine, Mass General Brigham Personalized Medicine
Classification: Uncertain significance. Last evaluated: 2018-02-13. Review status: criteria provided, single submitter. Criteria: LMM Criteria. Collection method: clinical testing. Allele origin: germline. Inheritance: Autosomal dominant inheritance. Observed: 2 variant alleles.
Comment: Variant classified as Uncertain Significance - Favor Pathogenic. The p.Tyr129Ser variant in SIX1 has not been previously reported in individuals with hearing lo ss or branchio-oto-renal syndrome. However, a different pathogenic missense var iant at the same amino acid position (c.386A>G, p.Tyr129Cys) has been reported i n 3 probands with branchio-oto-renal syndrome, segregated in >10 affected indivi duals from one family, and in vitro functional evidence supported a deleterious effect of the variant (Ito 2006, Noguchi 2011, Patrick 2009, Ruf 2003, Ruf 2004) . The p.Tyr129Ser variant was absent from population databases. Computational prediction tools and conservation analyses suggest that the p.Tyr129Ser variant may impact the protein, though this information is not predictive enough to dete rmine pathogenicity. In summary, while there is some suspicion for a pathogenic role, the clinical significance of this variant is uncertain. ACMG/AMP criteria applied: PM2; PM5; PP3.

Literature cited by the submitters: PubMed 34440452 (cited by Labcorp Genetics (formerly Invitae), Labcorp); PubMed 12843324 (cited by Labcorp Genetics (formerly Invitae), Labcorp and Laboratory for Molecular Medicine, Mass General Brigham Personalized Medicine); PubMed 15141091 (cited by Labcorp Genetics (formerly Invitae), Labcorp and Laboratory for Molecular Medicine, Mass General Brigham Personalized Medicine); PubMed 16652090 (cited by Labcorp Genetics (formerly Invitae), Labcorp and Laboratory for Molecular Medicine, Mass General Brigham Personalized Medicine); PubMed 21254961 (cited by Labcorp Genetics (formerly Invitae), Labcorp and Laboratory for Molecular Medicine, Mass General Brigham Personalized Medicine); PubMed 21280147 (cited by Labcorp Genetics (formerly Invitae), Labcorp); PubMed 19497856 (cited by Laboratory for Molecular Medicine, Mass General Brigham Personalized Medicine).

NM_005982.4(SIX1):c.386A>C (p.Tyr129Ser)

Gene: SIX1 (SIX homeobox 1; minus strand). Cytogenetic location: 14q23.1.
Variant type: single nucleotide variant.
Coding change: c.386A>C on transcript NM_005982.4 (MANE Select); coding-DNA position 386, A replaced by C.
Protein change: p.Tyr129Ser; replaces tyrosine 129 with serine.
Molecular consequence: missense variant.
Genome position (GRCh38, 1-based): chr14:60,648,804, T>G on the plus strand (A>C on the coding strand, the complement: SIX1 is on the minus strand). VCF-style: chr14-60648804-T-G. GRCh37 (hg19) VCF-style: chr14-61115522-T-G.
Other names: short protein forms Y129S.
Identifiers: ClinVar variation 666609 (VCV000666609.11), dbSNP rs104894478, ClinGen allele CA389910423.